The following is an entry in ClinVar:

ClinVar aggregate classification (germline): Conflicting classifications of pathogenicity. Review status: criteria provided, conflicting classifications (1 of 4 stars). 9 submissions from 6 submitters: Uncertain significance (3); Benign (2); Likely benign (4). Last evaluated 2025-10-31.

Conditions:
Familial hypoparathyroidism. Also called: Familial isolated hypoparathyroidism. Identifiers: Orphanet 2238, MedGen C1832648, MONDO:0016390.
Autosomal dominant hypocalcemia 1 (HYPOC1). Also called: HYPOCALCEMIA, FAMILIAL. Identifiers: MedGen C3715128, MONDO:0011013, OMIM 601198.
Neonatal severe primary hyperparathyroidism. Identifiers: Orphanet 417, MedGen C1832615, MONDO:0009397, OMIM 239200.
CASR-related disorder. Also called: CASR-related condition.
Familial hypocalciuric hypercalcemia (FHH). Also called: Familial benign hypercalcemia. Identifiers: Orphanet 405, MedGen C1809471, MONDO:0018458.
Nephrolithiasis/nephrocalcinosis. Identifiers: MedGen CN580796.
Familial hypocalciuric hypercalcemia 1. Also called: Hypercalcemia, familial benign type 1. Identifiers: Orphanet 405, Orphanet 93372, MedGen C0342637, MONDO:0007791, OMIM 145980.

Allele frequency attached by ClinVar (database versions not stated): gnomAD below 0.00001 and 0.00005; TOPMed 0.00001; gnomAD exomes 0.00011 and 0.00021; ExAC 0.00027; 1000 Genomes Project 30x 0.00078; 1000 Genomes Project 0.00100.
gnomAD v4.1: 169 of 1,614,200 alleles (0.01%); highest among the groups gnomAD compares: South Asian, 0.18%; 2 homozygotes.

Submissions (9):

Labcorp Genetics (formerly Invitae), Labcorp
Classification: Likely benign for Familial hypocalciuric hypercalcemia; Autosomal dominant hypocalcemia 1. Last evaluated: 2025-10-31. Review status: criteria provided, single submitter. Criteria: Invitae Variant Classification Sherloc (09022015). Collection method: clinical testing. Allele origin: germline.

PreventionGenetics, part of Exact Sciences
Classification: Likely benign for CASR-related condition. Last evaluated: 2025-07-12. Review status: criteria provided, single submitter. Criteria: ACMG Guidelines, 2015. Collection method: clinical testing. Allele origin: germline.
Comment: This variant is classified as likely benign based on ACMG/AMP sequence variant interpretation guidelines (Richards et al. 2015 PMID: 25741868, with internal and published modifications).

Women's Health and Genetics/Laboratory Corporation of America, LabCorp
Classification: Benign. Last evaluated: 2024-12-06. Review status: criteria provided, single submitter. Criteria: LabCorp Variant Classification Summary - May 2015. Collection method: clinical testing. Allele origin: germline.

Blueprint Genetics
Classification: Likely benign. Last evaluated: 2024-01-25. Review status: criteria provided, single submitter. Criteria: ACMG Guidelines, 2015. Collection method: clinical testing. Allele origin: germline.

Ambry Genetics
Classification: Likely benign for Nephrolithiasis/nephrocalcinosis. Last evaluated: 2019-08-08. Review status: criteria provided, single submitter. Criteria: Ambry Variant Classification Scheme 2023. Collection method: clinical testing. Allele origin: germline.

Illumina Laboratory Services, Illumina
Classification: Uncertain significance for Familial hypocalciuric hypercalcemia 1. Last evaluated: 2018-01-12. Review status: criteria provided, single submitter. Criteria: ICSL Variant Classification Criteria 13 December 2019. Collection method: clinical testing. Allele origin: germline.

Illumina Laboratory Services, Illumina
Classification: Uncertain significance for Neonatal severe primary hyperparathyroidism. Last evaluated: 2018-01-12. Review status: criteria provided, single submitter. Criteria: ICSL Variant Classification Criteria 13 December 2019. Collection method: clinical testing. Allele origin: germline.

Illumina Laboratory Services, Illumina
Classification: Benign for Familial isolated hypoparathyroidism. Last evaluated: 2018-01-12. Review status: criteria provided, single submitter. Criteria: ICSL Variant Classification Criteria 13 December 2019. Collection method: clinical testing. Allele origin: germline.
Comment: This variant was observed in the ICSL laboratory as part of a predisposition screen in an ostensibly healthy population. It had not been previously curated by ICSL or reported in the Human Gene Mutation Database (HGMD: prior to June 1st, 2018), and was therefore a candidate for classification through an automated scoring system. Utilizing variant allele frequency, disease prevalence and penetrance estimates, and inheritance mode, an automated score was calculated to assess if this variant is too frequent to cause the disease. Based on the score and internal cut-off values, a variant classified as benign is not then subjected to further curation. The score for this variant resulted in a classification of benign for this disease.

Illumina Laboratory Services, Illumina
Classification: Uncertain significance for Autosomal dominant hypocalcemia 1. Last evaluated: 2018-01-12. Review status: criteria provided, single submitter. Criteria: ICSL Variant Classification Criteria 13 December 2019. Collection method: clinical testing. Allele origin: germline.

NM_000388.4(CASR):c.1665T>C (p.Ile555=)

Gene: CASR (calcium sensing receptor; plus strand). Cytogenetic location: 3q21.1.
Variant type: single nucleotide variant.
Coding change: c.1665T>C on transcript NM_000388.4 (MANE Select); coding-DNA position 1665, T replaced by C.
Protein change: p.Ile555=; no amino-acid change (isoleucine 555 retained).
Molecular consequence: synonymous variant.
Genome position (GRCh38, 1-based): chr3:122,282,169, T>C. VCF-style: chr3-122282169-T-C. GRCh37 (hg19) VCF-style: chr3-122001016-T-C.
Other names: c.1695T>C (NM_001178065.1); c.1695T>C, p.Ile565= (NM_001178065.2).
Identifiers: ClinVar variation 342799 (VCV000342799.23), dbSNP rs201955278, ClinGen allele CA2569721.